The following is an entry in ClinVar:

ClinVar aggregate classification (germline): Uncertain significance (1 of 4 stars; one submission).

Submission:

Labcorp Genetics (formerly Invitae), Labcorp
Classification: Uncertain significance. Last evaluated: 2024-10-28. Review status: criteria provided, single submitter. Criteria: Invitae Variant Classification Sherloc (09022015). Collection method: clinical testing. Allele origin: germline.
Comment: This sequence change replaces leucine, which is neutral and non-polar, with phenylalanine, which is neutral and non-polar, at codon 130 of the PIGB protein (p.Leu130Phe). This variant is not present in population databases (gnomAD no frequency). This variant has not been reported in the literature in individuals affected with PIGB-related conditions. ClinVar contains an entry for this variant (Variation ID: 2017292). Invitae Evidence Modeling of protein sequence and biophysical properties (such as structural, functional, and spatial information, amino acid conservation, physicochemical variation, residue mobility, and thermodynamic stability) indicates that this missense variant is not expected to disrupt PIGB protein function with a negative predictive value of 80%. In summary, the available evidence is currently insufficient to determine the role of this variant in disease. Therefore, it has been classified as a Variant of Uncertain Significance.

NM_004855.5(PIGB):c.388C>T (p.Leu130Phe)

Gene: PIGB (phosphatidylinositol glycan anchor biosynthesis class B; plus strand). Cytogenetic location: 15q21.3.
Variant type: single nucleotide variant.
Coding change: c.388C>T on transcript NM_004855.5 (MANE Select); coding-DNA position 388, C replaced by T.
Protein change: p.Leu130Phe; replaces leucine 130 with phenylalanine.
Molecular consequence: missense variant.
Genome position (GRCh38, 1-based): chr15:55,321,361, C>T. VCF-style: chr15-55321361-C-T. GRCh37 (hg19) VCF-style: chr15-55613559-C-T.
Other names: short protein forms L130F.
Identifiers: ClinVar variation 2017292 (VCV002017292.4), dbSNP rs2543061747, ClinGen allele CA392541683.
Genomic context (GRCh38, chr15:55,321,361, plus strand): 5'-GAGAGACTGAGGAGTTACACTTATCCCTTAATCTTTGCAAGCATTTACAAGATTCTTCAT[C>T]TTTTAGGGAAAGATAGTGTTCAGTTGCTGGTAAGTTTAAATAAAAGTAACTAAATGATAT-3'
Protein context (NP_004846.4, residues 120-140): IFASIYKILH[Leu130Phe]LGKDSVQLLI